The following is an entry in ClinVar:

NM_006445.4(PRPF8):c.360C>T (p.Tyr120=)

Gene: PRPF8 (pre-mRNA processing factor 8; minus strand). Cytogenetic location: 17p13.3.
Variant type: single nucleotide variant.
Coding change: c.360C>T on transcript NM_006445.4 (MANE Select); coding-DNA position 360, C replaced by T.
Protein change: p.Tyr120=; no amino-acid change (tyrosine 120 retained).
Molecular consequence: synonymous variant.
Genome position (GRCh38, 1-based): chr17:1,682,203, G>A on the plus strand (C>T on the coding strand, the complement: PRPF8 is on the minus strand). VCF-style: chr17-1682203-G-A. GRCh37 (hg19) VCF-style: chr17-1585497-G-A.
Identifiers: ClinVar variation 321920 (VCV000321920.13), dbSNP rs764798990, ClinGen allele CA8272653.

ClinVar aggregate classification (germline): Conflicting classifications of pathogenicity. Review status: criteria provided, conflicting classifications (1 of 4 stars). 3 submissions from 3 submitters: Uncertain significance (1); Likely benign (2). Last evaluated 2026-09-25.

Conditions:
PRPF8-related disorder. Also called: PRPF8-related condition.
Retinitis pigmentosa (RP). Identifiers: Orphanet 791, MedGen C0035334, MeSH D012174, MONDO:0019200, OMIM 268000. Inheritance: Autosomal dominant, autosomal recessive and X linked inheritance.

Allele frequency attached by ClinVar (database versions not stated): gnomAD 0.00001; gnomAD exomes 0.00001; TOPMed 0.00001; ExAC 0.00002.
gnomAD v4.1: 15 of 1,613,930 alleles (0.00093%); highest among the groups gnomAD compares: Non-Finnish European, 0.0012%; no homozygotes.

Submissions (3):

PreventionGenetics, part of Exact Sciences
Classification: Likely benign for PRPF8-related condition. Last evaluated: 2026-09-25. Review status: criteria provided, single submitter. Criteria: ACMG Guidelines, 2015. Collection method: clinical testing. Allele origin: germline.
Comment: This variant is classified as likely benign based on ACMG/AMP sequence variant interpretation guidelines (Richards et al. 2015 PMID: 25741868, with internal and published modifications).

Labcorp Genetics (formerly Invitae), Labcorp
Classification: Likely benign. Last evaluated: 2025-03-12. Review status: criteria provided, single submitter. Criteria: Invitae Variant Classification Sherloc (09022015). Collection method: clinical testing. Allele origin: germline.

Illumina Laboratory Services, Illumina
Classification: Uncertain significance for Retinitis pigmentosa. Last evaluated: 2018-01-12. Review status: criteria provided, single submitter. Criteria: ICSL Variant Classification Criteria 13 December 2019. Collection method: clinical testing. Allele origin: germline.